The following is an entry in ClinVar:

ClinVar aggregate classification (germline): Uncertain significance. Review status: criteria provided, multiple submitters, no conflicts (2 of 4 stars). 2 submissions from 2 submitters: Uncertain significance (2). Last evaluated 2023-04-12.

Conditions:
Spermatogenic failure 18. Identifiers: MedGen C4539783, MONDO:0054615, OMIM 617576.
Ciliary dyskinesia, primary, 37 (CILD37). Also called: CILIARY DYSKINESIA, PRIMARY, 37, WITH OR WITHOUT SITUS INVERSUS. Identifiers: MedGen C4539798, MONDO:0033204, OMIM 617577.

Allele frequency attached by ClinVar (database versions not stated): gnomAD exomes 0.00001; ExAC 0.00006; ESP Exome Variant Server 0.00008; gnomAD 0.00009; TOPMed 0.00011; 1000 Genomes Project 0.00020; 1000 Genomes Project 30x 0.00031.
gnomAD v4.1: 33 of 1,584,760 alleles (0.0021%); highest among the groups gnomAD compares: African/African-American, 0.03%; no homozygotes.

Submissions (2):

Revvity Omics, Revvity
Classification: Uncertain significance. Last evaluated: 2023-04-12. Review status: criteria provided, single submitter. Criteria: ACMG Guidelines, 2015. Collection method: clinical testing. Allele origin: germline.

Labcorp Genetics (formerly Invitae), Labcorp
Classification: Uncertain significance for Ciliary dyskinesia, primary, 37; Spermatogenic failure 18. Last evaluated: 2021-10-29. Review status: criteria provided, single submitter. Criteria: Invitae Variant Classification Sherloc (09022015). Collection method: clinical testing. Allele origin: germline.
Comment: This sequence change replaces arginine, which is basic and polar, with glutamine, which is neutral and polar, at codon 125 of the DNAH1 protein (p.Arg125Gln). The frequency data for this variant in the population databases is considered unreliable, as metrics indicate poor data quality at this position in the gnomAD database. This variant has not been reported in the literature in individuals affected with DNAH1-related conditions. Algorithms developed to predict the effect of missense changes on protein structure and function output the following: SIFT: "Deleterious"; PolyPhen-2: "Benign"; Align-GVGD: "Class C0". The glutamine amino acid residue is found in multiple mammalian species, which suggests that this missense change does not adversely affect protein function. In summary, the available evidence is currently insufficient to determine the role of this variant in disease. Therefore, it has been classified as a Variant of Uncertain Significance.

NM_015512.5(DNAH1):c.374G>A (p.Arg125Gln)

Gene: DNAH1 (dynein axonemal heavy chain 1; plus strand). Cytogenetic location: 3p21.1.
Variant type: single nucleotide variant.
Coding change: c.374G>A on transcript NM_015512.5 (MANE Select); coding-DNA position 374, G replaced by A.
Protein change: p.Arg125Gln; replaces arginine 125 with glutamine.
Molecular consequence: missense variant.
Genome position (GRCh38, 1-based): chr3:52,323,848, G>A. VCF-style: chr3-52323848-G-A. GRCh37 (hg19) VCF-style: chr3-52357864-G-A.
Other names: short protein forms R125Q.
Identifiers: ClinVar variation 1430939 (VCV001430939.5), dbSNP rs373203216, ClinGen allele CA2432617.